The following is an entry in ClinVar:

ClinVar aggregate classification (germline): Conflicting classifications of pathogenicity. Review status: criteria provided, conflicting classifications (1 of 4 stars). 4 submissions from 4 submitters: Uncertain significance (2); Likely benign (2). Last evaluated 2025-09-17.

Conditions:
Cardiovascular phenotype. Identifiers: MedGen CN230736.
Brugada syndrome 8 (BRGDA8). Identifiers: Orphanet 130, MedGen C2751083, MONDO:0013148, OMIM 613123.

Allele frequency attached by ClinVar (database versions not stated): gnomAD 0.00006; TOPMed 0.00008.
gnomAD v4.1: 24 of 1,603,884 alleles (0.0015%); highest among the groups gnomAD compares: Middle Eastern, 0.017%; no homozygotes.

Submissions (4):

Labcorp Genetics (formerly Invitae), Labcorp
Classification: Uncertain significance for Brugada syndrome 8. Last evaluated: 2025-09-17. Review status: criteria provided, single submitter. Criteria: Invitae Variant Classification Sherloc (09022015). Collection method: clinical testing. Allele origin: germline.
Comment: This sequence change replaces alanine, which is neutral and non-polar, with threonine, which is neutral and polar, at codon 869 of the HCN4 protein (p.Ala869Thr). This variant is present in population databases (rs775134377, gnomAD 0.01%). This variant has not been reported in the literature in individuals affected with HCN4-related conditions. ClinVar contains an entry for this variant (Variation ID: 636407). Invitae Evidence Modeling of protein sequence and biophysical properties (such as structural, functional, and spatial information, amino acid conservation, physicochemical variation, residue mobility, and thermodynamic stability) indicates that this missense variant is not expected to disrupt HCN4 protein function with a negative predictive value of 95%. In summary, the available evidence is currently insufficient to determine the role of this variant in disease. Therefore, it has been classified as a Variant of Uncertain Significance.

Molecular Diagnostic Laboratory for Inherited Cardiovascular Disease, Montreal Heart Institute
Classification: Likely benign. Last evaluated: 2025-04-09. Review status: criteria provided, single submitter. Criteria: ACMG Guidelines, 2015. Collection method: clinical testing. Allele origin: germline. Affected: no.
Comment: BS1, BP4

Ambry Genetics
Classification: Likely benign for Cardiovascular phenotype. Last evaluated: 2025-03-19. Review status: criteria provided, single submitter. Criteria: Ambry Variant Classification Scheme 2023. Collection method: clinical testing. Allele origin: germline.

GeneDx
Classification: Uncertain significance. Last evaluated: 2023-10-12. Review status: criteria provided, single submitter. Criteria: GeneDx Variant Classification Process June 2021. Collection method: clinical testing. Allele origin: germline. Affected: yes.
Comment: Has not been previously published as pathogenic or benign to our knowledge; In silico analysis supports that this missense variant does not alter protein structure/function

NM_005477.3(HCN4):c.2605G>A (p.Ala869Thr)

Gene: HCN4 (hyperpolarization activated cyclic nucleotide gated potassium channel 4; minus strand). Cytogenetic location: 15q24.1.
Variant type: single nucleotide variant.
Coding change: c.2605G>A on transcript NM_005477.3 (MANE Select); coding-DNA position 2605, G replaced by A.
Protein change: p.Ala869Thr; replaces alanine 869 with threonine.
Molecular consequence: missense variant.
Genome position (GRCh38, 1-based): chr15:73,323,488, C>T on the plus strand (G>A on the coding strand, the complement: HCN4 is on the minus strand). VCF-style: chr15-73323488-C-T. GRCh37 (hg19) VCF-style: chr15-73615829-C-T.
Other names: short protein forms A869T.
Identifiers: ClinVar variation 636407 (VCV000636407.16), dbSNP rs775134377, ClinGen allele CA7648993.